The following is an entry in ClinVar:

ClinVar aggregate classification (germline): Pathogenic (1 of 4 stars; one submission).

Conditions:
Fabry disease. Also called: ALPHA-GALACTOSIDASE A DEFICIENCY; ANDERSON-FABRY DISEASE; CERAMIDE TRIHEXOSIDASE DEFICIENCY; GLA DEFICIENCY; HEREDITARY DYSTOPIC LIPIDOSIS; Angiokeratoma corporis diffusum. Identifiers: Orphanet 324, MedGen C0002986, MONDO:0010526, OMIM 301500, HP:0001071. Disease mechanism: Fabry disease is due to inactivating mutations in the X-linked GLA gene resulting in deficiency of the enzyme Alpha Galactosidase-A., loss of function.

Submission:

Genomenon, Inc
Classification: Pathogenic for Fabry disease. Last evaluated: 2026-09-08. Review status: criteria provided, single submitter. Criteria: Genomenon Sequence Variant Interpretation Standards - Updated. Collection method: curation. Allele origin: germline. Affected: yes.
Comment: GLA p.Cys382Ter (c.1146C>A) is a nonsense variant that introduces a premature stop codon at amino acid position 382 and is predicted to result in a truncated or absent protein product. This variant has been observed in at least one proband with clinical features consistent with Fabry disease (PMID:32719972;27600940;26691501). The variant was found to segregate with disease in at least one affected family (PMID:26691501). Functional or patient cell studies have been reported (PMID:33915609;26691501). It is absent or not present at a significant frequency in gnomAD. In conclusion, we classify GLA p.Cys382Ter (c.1146C>A) as a pathogenic variant.

Literature cited by the submitters: PubMed 32719972; PubMed 27600940; PubMed 26691501; PubMed 33915609.

NM_000169.3(GLA):c.1146C>A (p.Cys382Ter)

Genes: GLA (galactosidase alpha; minus strand), RPL36A-HNRNPH2 (RPL36A-HNRNPH2 readthrough; plus strand). Cytogenetic location: Xq22.1.
Variant type: single nucleotide variant.
Coding change: c.1146C>A on transcript NM_000169.3 (MANE Select); coding-DNA position 1146, C replaced by A.
Protein change: p.Cys382Ter; replaces cysteine 382 with a stop codon.
Molecular consequence: nonsense. On other transcripts: non-coding transcript variant (3), intron variant (2).
Genome position (GRCh38, 1-based): chrX:101,397,953, G>T on the plus strand (C>A on the coding strand, the complement: GLA is on the minus strand). VCF-style: chrX-101397953-G-T. GRCh37 (hg19) VCF-style: chrX-100652941-G-T.
Other names: c.1269C>A, p.Cys423Ter (NM_001406747.1); c.300+2496G>T (NM_001199973.2); c.177+6131G>T (NM_001199974.2); short protein forms C382*, C423*.
Identifiers: ClinVar variation 4087198 (VCV004087198.2).